The following is an entry in ClinVar:

NM_005592.4(MUSK):c.1385-94A>C

Gene: MUSK (muscle associated receptor tyrosine kinase; plus strand). Cytogenetic location: 9q31.3.
Variant type: single nucleotide variant.
Coding change: c.1385-94A>C on transcript NM_005592.4 (MANE Select); 94 bases into the intron before coding-DNA position 1385, A replaced by C.
Molecular consequence: intron variant.
Genome position (GRCh38, 1-based): chr9:110,784,721, A>C. VCF-style: chr9-110784721-A-C. GRCh37 (hg19) VCF-style: chr9-113547001-A-C.
Other names: c.1127-94A>C (NM_001166280.2); c.1097-94A>C (NM_001166281.2); c.125-94A>C (NM_001369398.1).
Identifiers: ClinVar variation 684079 (VCV000684079.2), dbSNP rs572189, ClinGen allele CA198357301.

ClinVar aggregate classification (germline): Benign. Review status: criteria provided, multiple submitters, no conflicts (2 of 4 stars). 2 submissions from 2 submitters: Benign (2). Last evaluated 2018-06-16.

Allele frequency attached by ClinVar (database versions not stated): 1000 Genomes Project 0.82009; 1000 Genomes Project 30x 0.82370; gnomAD 0.85168 and 0.85670; TOPMed 0.85313.
gnomAD v4.1: 790,461 of 947,388 alleles (83%); highest among the groups gnomAD compares: African/African-American, 96%; 330,843 homozygotes.

Submissions (2):

GeneDx
Classification: Benign. Last evaluated: 2018-06-16. Review status: criteria provided, single submitter. Criteria: GeneDx Variant Classification (06012015). Collection method: clinical testing. Allele origin: germline. Affected: yes.
Comment: This variant is considered likely benign or benign based on one or more of the following criteria: it is a conservative change, it occurs at a poorly conserved position in the protein, it is predicted to be benign by multiple in silico algorithms, and/or has population frequency not consistent with disease.

Breakthrough Genomics
Classification: Benign. Review status: criteria provided, single submitter. Criteria: ACMG Guidelines, 2015. Collection method: not provided. Allele origin: germline. Inheritance: Autosomal recessive inheritance. Affected: yes.